The following is an entry in ClinVar:

ClinVar aggregate classification (germline): Conflicting classifications of pathogenicity. Review status: criteria provided, conflicting classifications (1 of 4 stars). 3 submissions from 3 submitters: Pathogenic (1); Uncertain significance (1). 1 of the submissions does not count toward it. Last evaluated 2025-10-03.

Conditions:
Primary hyperoxaluria, type II (HP2). Also called: D-GLYCERATE DEHYDROGENASE DEFICIENCY; GLYCERIC ACIDURIA; GLYOXYLATE REDUCTASE/HYDROXYPYRUVATE REDUCTASE DEFICIENCY; OXALOSIS II; Primary hyperoxaluria type 2. Identifiers: Orphanet 416, Orphanet 93599, MedGen C0268165, MONDO:0009824, OMIM 260000. Disease mechanism: loss of function.

Allele frequency attached by ClinVar (database versions not stated): gnomAD exomes below 0.00001; TOPMed below 0.00001; gnomAD 0.00001.
gnomAD v4.1: 3 of 1,613,982 alleles (0.00019%); highest among the groups gnomAD compares: East Asian, 0.0022%; no homozygotes.

Submissions (3):

Rare Kidney Stone Consortium and the Mayo Clinic Hyperoxaluria Center, Mayo Clinic
Classification: Pathogenic for Primary hyperoxaluria, type II. Last evaluated: 2025-10-03. Review status: criteria provided, single submitter. Criteria: ACMG Guidelines, 2015. Collection method: research. Allele origin: germline. Affected: yes. Observed: 1 variant allele.
Comment: ACMG:PM1, PM2, PM5, PP3, PP5

Women's Health and Genetics/Laboratory Corporation of America, LabCorp
Classification: Uncertain significance. Last evaluated: 2024-03-21. Review status: criteria provided, single submitter. Criteria: LabCorp Variant Classification Summary - May 2015. Collection method: clinical testing. Allele origin: germline.
Comment: Variant summary: GRHPR c.743T>A (p.Val248Asp) results in a non-conservative amino acid change located in the D-isomer specific 2-hydroxyacid dehydrogenase, catalytic domain (IPR006139) of the encoded protein sequence. Five of five in-silico tools predict a damaging effect of the variant on protein function. The variant was absent in 251426 control chromosomes. c.743T>A has been reported in the literature in individuals affected with Primary Hyperoxaluria Type 2 with homozygous and unreported genotypes (e.g. Williams_2015, Garrelfs_2019). These data indicate that the variant may be associated with disease. To our knowledge, no experimental evidence demonstrating an impact on protein function has been reported. The following publications have been ascertained in the context of this evaluation (PMID: 31685312, 25629080). ClinVar contains an entry for this variant (Variation ID: 204236). Based on the evidence outlined above, the variant was classified as VUS-possibly pathogenic.

Clinical Biochemistry Laboratory, Health Services Laboratory
Classification: Pathogenic for Primary hyperoxaluria, type II. Last evaluated: 2014-11-27. Review status: no assertion criteria provided. Collection method: research. Allele origin: germline. Affected: yes. Not counted in ClinVar's aggregate classification.

Literature cited by the submitters: PubMed 25629080 (cited by Rare Kidney Stone Consortium and the Mayo Clinic Hyperoxaluria Center, Mayo Clinic and Women's Health and Genetics/Laboratory Corporation of America, LabCorp); PubMed 31685312 (cited by Rare Kidney Stone Consortium and the Mayo Clinic Hyperoxaluria Center, Mayo Clinic and Women's Health and Genetics/Laboratory Corporation of America, LabCorp); PubMed 40794449 (cited by Rare Kidney Stone Consortium and the Mayo Clinic Hyperoxaluria Center, Mayo Clinic).

NM_012203.2(GRHPR):c.743T>A (p.Val248Asp)

Gene: GRHPR (glyoxylate and hydroxypyruvate reductase; plus strand). Cytogenetic location: 9p13.2.
Variant type: single nucleotide variant.
Coding change: c.743T>A on transcript NM_012203.2 (MANE Select); coding-DNA position 743, T replaced by A.
Protein change: p.Val248Asp; replaces valine 248 with aspartic acid.
Molecular consequence: missense variant.
Genome position (GRCh38, 1-based): chr9:37,432,016, T>A. VCF-style: chr9-37432016-T-A. GRCh37 (hg19) VCF-style: chr9-37432013-T-A.
Other names: short protein forms V248D.
Identifiers: ClinVar variation 204236 (VCV000204236.5), dbSNP rs796052079, ClinGen allele CA275893.